The following is an entry in ClinVar:

NM_000245.4(MET):c.2582A>G (p.Lys861Arg)

Gene: MET (MET proto-oncogene, receptor tyrosine kinase; plus strand). Cytogenetic location: 7q31.2.
Variant type: single nucleotide variant.
Coding change: c.2582A>G on transcript NM_000245.4 (MANE Select); coding-DNA position 2582, A replaced by G.
Protein change: p.Lys861Arg; replaces lysine 861 with arginine.
Molecular consequence: missense variant.
Genome position (GRCh38, 1-based): chr7:116,763,267, A>G. VCF-style: chr7-116763267-A-G. GRCh37 (hg19) VCF-style: chr7-116403321-A-G.
Other names: c.2636A>G, p.Lys879Arg (NM_001127500.3); c.2582A>G, p.Lys861Arg (NM_001324401.3); c.1292A>G, p.Lys431Arg (NM_001324402.2); short protein forms K879R, K431R, K861R.
Identifiers: ClinVar variation 936792 (VCV000936792.11), dbSNP rs895820328, ClinGen allele CA368983727.

ClinVar aggregate classification (germline): Uncertain significance. Review status: criteria provided, multiple submitters, no conflicts (2 of 4 stars). 2 submissions from 2 submitters: Uncertain significance (2). Last evaluated 2024-06-17.

Conditions:
Renal cell carcinoma. Identifiers: Orphanet 217071, MedGen C0007134, MeSH D002292, MONDO:0005086, HP:0005584.
Hereditary cancer-predisposing syndrome. Also called: Tumor predisposition; Hereditary neoplastic syndrome; Hereditary Cancer Syndrome; Neoplastic Syndromes, Hereditary. Identifiers: Orphanet 140162, MedGen C0027672, MeSH D009386, MONDO:0015356.

gnomAD v4.1: 1 of 1,613,076 alleles (0.000062%); highest among the groups gnomAD compares: Non-Finnish European, 0.000085%; no homozygotes.

Submissions (2):

Labcorp Genetics (formerly Invitae), Labcorp
Classification: Uncertain significance for Renal cell carcinoma. Last evaluated: 2024-06-17. Review status: criteria provided, single submitter. Criteria: Invitae Variant Classification Sherloc (09022015). Collection method: clinical testing. Allele origin: germline.
Comment: This sequence change replaces lysine, which is basic and polar, with arginine, which is basic and polar, at codon 879 of the MET protein (p.Lys879Arg). This variant is not present in population databases (gnomAD no frequency). This variant has not been reported in the literature in individuals affected with MET-related conditions. ClinVar contains an entry for this variant (Variation ID: 936792). An algorithm developed to predict the effect of missense changes on protein structure and function (PolyPhen-2) suggests that this variant is likely to be tolerated. In summary, the available evidence is currently insufficient to determine the role of this variant in disease. Therefore, it has been classified as a Variant of Uncertain Significance.

Ambry Genetics
Classification: Uncertain significance for Hereditary cancer-predisposing syndrome. Last evaluated: 2023-05-02. Review status: criteria provided, single submitter. Criteria: Ambry Variant Classification Scheme 2023. Collection method: clinical testing. Allele origin: germline.
Comment: The p.K879R variant (also known as c.2636A>G), located in coding exon 10 of the MET gene, results from an A to G substitution at nucleotide position 2636. The lysine at codon 879 is replaced by arginine, an amino acid with highly similar properties. This amino acid position is highly conserved in available vertebrate species. In addition, this alteration is predicted to be tolerated by in silico analysis. Since supporting evidence is limited at this time, the clinical significance of this alteration remains unclear.